The following is an entry in ClinVar:

ClinVar aggregate classification (germline): Uncertain significance (1 of 4 stars; one submission).

Conditions:
Inborn genetic diseases. Identifiers: MedGen C0950123, MeSH D030342.

Submission:

Ambry Genetics
Classification: Uncertain significance for Inborn genetic diseases. Last evaluated: 2025-09-26. Review status: criteria provided, single submitter. Criteria: Ambry Variant Classification Scheme 2023. Collection method: clinical testing. Allele origin: germline.
Comment: The p.E474Q variant (also known as c.1420G>C), located in coding exon 8 of the RUNX1 gene, results from a G to C substitution at nucleotide position 1420. The glutamic acid at codon 474 is replaced by glutamine, an amino acid with highly similar properties. This amino acid position is conserved. In addition, this alteration is predicted to be tolerated by in silico analysis. Based on the available evidence, the clinical significance of this variant remains unclear.

NM_001754.5(RUNX1):c.1420G>C (p.Glu474Gln)

Gene: RUNX1 (RUNX family transcription factor 1; minus strand). Cytogenetic location: 21q22.12.
Variant type: single nucleotide variant.
Coding change: c.1420G>C on transcript NM_001754.5 (MANE Select); coding-DNA position 1420, G replaced by C.
Protein change: p.Glu474Gln; replaces glutamic acid 474 with glutamine.
Molecular consequence: missense variant.
Genome position (GRCh38, 1-based): chr21:34,792,158, C>G on the plus strand (G>C on the coding strand, the complement: RUNX1 is on the minus strand). VCF-style: chr21-34792158-C-G. GRCh37 (hg19) VCF-style: chr21-36164455-C-G.
Other names: c.1339G>C, p.Glu447Gln (NM_001001890.3); short protein forms E447Q, E474Q.
Identifiers: ClinVar variation 4629691 (VCV004629691.1).